The following is an entry in ClinVar:

NM_015629.4(PRPF31):c.1027del (p.Leu343fs)

Gene: PRPF31 (pre-mRNA processing factor 31; plus strand). Cytogenetic location: 19q13.42.
Variant type: Deletion.
Coding change: c.1027del on transcript NM_015629.4 (MANE Select); coding-DNA position 1027, one base deleted (C; older notation c.1027delC).
Protein change: p.Leu343fs; shifts the reading frame from leucine 343.
Molecular consequence: frameshift variant.
Genome position (GRCh38, 1-based): chr19:54,128,154, C deleted. VCF-style (leftmost placement, unchanged base first): chr19-54128153-GC-G. GRCh37 (hg19) VCF-style: chr19-54631528-GC-G.
Other names: short protein forms L343fs.
Identifiers: ClinVar variation 4729669 (VCV004729669.1).
Genomic context (GRCh38, chr19:54,128,153, plus strand): 5'-TGAGATCGAGCGCAAATTCGACAAGTGGCAGGAGCCGCCGCCTGTGAAGCAGGTGAAGCC[GC>G]TGCCTGCGCCCCTGGATGGACAGCGGAAGAAGCGAGGCGGCCGCAGGTGAGGGGCCCTGG-3'

ClinVar aggregate classification (germline): Pathogenic (1 of 4 stars; one submission).

Submission:

Labcorp Genetics (formerly Invitae), Labcorp
Classification: Pathogenic. Last evaluated: 2025-10-22. Review status: criteria provided, single submitter. Criteria: Invitae Variant Classification Sherloc (09022015). Collection method: clinical testing. Allele origin: germline.
Comment: This sequence change creates a premature translational stop signal (p.Leu343Cysfs*20) in the PRPF31 gene. It is expected to result in an absent or disrupted protein product. Loss-of-function variants in PRPF31 are known to be pathogenic (PMID: 18317597, 23950152). This variant is not present in population databases (gnomAD no frequency). This variant has not been reported in the literature in individuals affected with PRPF31-related conditions. For these reasons, this variant has been classified as Pathogenic.

Literature cited by the submitters: PubMed 18317597; PubMed 23950152.